The following is an entry in ClinVar:

NM_000260.4(MYO7A):c.5129A>G (p.Lys1710Arg)

Gene: MYO7A (myosin VIIA; plus strand). Cytogenetic location: 11q13.5.
Variant type: single nucleotide variant.
Coding change: c.5129A>G on transcript NM_000260.4 (MANE Select); coding-DNA position 5129, A replaced by G.
Protein change: p.Lys1710Arg; replaces lysine 1710 with arginine.
Molecular consequence: missense variant.
Genome position (GRCh38, 1-based): chr11:77,202,385, A>G. VCF-style: chr11-77202385-A-G. GRCh37 (hg19) VCF-style: chr11-76913430-A-G.
Other names: c.5015A>G, p.Lys1672Arg (NM_001127180.2); c.4982A>G, p.Lys1661Arg (NM_001369365.1); short protein forms K1661R, K1672R, K1710R.
Identifiers: ClinVar variation 2636872 (VCV002636872.3), dbSNP rs1309335969, ClinGen allele CA381951762.
Genomic context (GRCh38, chr11:77,202,385, plus strand): 5'-AGAGGCAGGACGTTGTCCGGCTCTTGCAGCTGCGAACGGCGGAGCCCGAGGTGCGTGCCA[A>G]GCCCTACACGCTGGAGGAGTTTTCCTATGACTACTTCAGGTGATGCCTCCTGGGGAAGGA-3'
Protein context (NP_000251.3, residues 1700-1720): LRTAEPEVRA[Lys1710Arg]PYTLEEFSYD

ClinVar aggregate classification (germline): Uncertain significance. Review status: criteria provided, multiple submitters, no conflicts (2 of 4 stars). 2 submissions from 2 submitters: Uncertain significance (2). Last evaluated 2026-08-03.

Conditions:
MYO7A-related disorder. Also called: MYO7A-related disorders.
Inborn genetic diseases. Identifiers: MedGen C0950123, MeSH D030342.

Allele frequency attached by ClinVar (database versions not stated): gnomAD exomes below 0.00001; TOPMed below 0.00001; gnomAD 0.00001.
gnomAD v4.1: 8 of 1,556,444 alleles (0.00051%); highest among the groups gnomAD compares: Admixed American, 0.016%; no homozygotes.

Submissions (2):

PreventionGenetics, part of Exact Sciences
Classification: Uncertain significance for MYO7A-related condition. Last evaluated: 2026-08-03. Review status: criteria provided, single submitter. Criteria: ACMG Guidelines, 2015. Collection method: clinical testing. Allele origin: germline.
Comment: The MYO7A c.5129A>G variant is predicted to result in the amino acid substitution p.Lys1710Arg. To our knowledge, this variant has not been reported in the literature. This variant is reported in 0.020% of alleles in individuals of Latino descent in gnomAD. At this time, the clinical significance of this variant is uncertain due to the absence of conclusive functional and genetic evidence.

Ambry Genetics
Classification: Uncertain significance for Inborn genetic diseases. Last evaluated: 2025-11-26. Review status: criteria provided, single submitter. Criteria: Ambry Variant Classification Scheme 2023. Collection method: clinical testing. Allele origin: germline.